The following is an entry in ClinVar:

ClinVar aggregate classification (germline): Uncertain significance (1 of 4 stars; one submission).

Submission:

Labcorp Genetics (formerly Invitae), Labcorp
Classification: Uncertain significance. Last evaluated: 2023-07-16. Review status: criteria provided, single submitter. Criteria: Invitae Variant Classification Sherloc (09022015). Collection method: clinical testing. Allele origin: germline.
Comment: This variant has not been reported in the literature in individuals affected with ZCCHC8-related conditions. In summary, the available evidence is currently insufficient to determine the role of this variant in disease. Therefore, it has been classified as a Variant of Uncertain Significance. Advanced modeling of protein sequence and biophysical properties (such as structural, functional, and spatial information, amino acid conservation, physicochemical variation, residue mobility, and thermodynamic stability) performed at Invitae indicates that this missense variant is expected to disrupt ZCCHC8 protein function. This variant is not present in population databases (gnomAD no frequency). This sequence change replaces leucine, which is neutral and non-polar, with valine, which is neutral and non-polar, at codon 98 of the ZCCHC8 protein (p.Leu98Val).

NM_017612.5(ZCCHC8):c.292C>G (p.Leu98Val)

Gene: ZCCHC8 (zinc finger CCHC-type containing 8; minus strand). Cytogenetic location: 12q24.31.
Variant type: single nucleotide variant.
Coding change: c.292C>G on transcript NM_017612.5 (MANE Select); coding-DNA position 292, C replaced by G.
Protein change: p.Leu98Val; replaces leucine 98 with valine.
Molecular consequence: missense variant. On other transcripts: 5 prime UTR variant (3).
Genome position (GRCh38, 1-based): chr12:122,492,740, G>C on the plus strand (C>G on the coding strand, the complement: ZCCHC8 is on the minus strand). VCF-style: chr12-122492740-G-C. GRCh37 (hg19) VCF-style: chr12-122977287-G-C.
Other names: c.-147C>G (NM_001350938.2); c.292C>G, p.Leu98Val (NM_001350935.2); c.-6C>G (NM_001350936.2); c.-253C>G (NM_001350937.2); short protein forms L98V.
Identifiers: ClinVar variation 2743549 (VCV002743549.3), dbSNP rs2547215861, ClinGen allele CA482209958.